The following is an entry in ClinVar:

NM_000138.5(FBN1):c.6675del (p.Thr2224_Tyr2225insTer)

Gene: FBN1 (fibrillin 1; minus strand). Cytogenetic location: 15q21.1.
Variant type: Deletion.
Coding change: c.6675del on transcript NM_000138.5 (MANE Select); coding-DNA position 6675, one base deleted (T; older notation c.6675delT).
Protein change: p.Thr2224_Tyr2225insTer.
Molecular consequence: nonsense. On other transcripts: frameshift variant (1).
Genome position (GRCh38, 1-based): chr15:48,432,930, A deleted on the plus strand (T on the coding strand, the reverse complement: FBN1 is on the minus strand). VCF-style (leftmost placement, unchanged base first): chr15-48432929-CA-C. GRCh37 (hg19) VCF-style: chr15-48725126-CA-C.
Other names: c.6675delT, p.Tyr2225Terfs (NM_001406716.1).
Identifiers: ClinVar variation 1754815 (VCV001754815.2), dbSNP rs2505425036, ClinGen allele CA2580089711.

ClinVar aggregate classification (germline): Pathogenic (1 of 4 stars; one submission).

Conditions:
Familial thoracic aortic aneurysm and aortic dissection (TAAD). Also called: Thoracic aortic aneurysms and dissections. Identifiers: Orphanet 91387, MedGen C4707243, MONDO:0019625.

Submission:

Ambry Genetics
Classification: Pathogenic for Familial thoracic aortic aneurysm and aortic dissection. Last evaluated: 2019-06-27. Review status: criteria provided, single submitter. Criteria: Ambry Variant Classification Scheme 2023. Collection method: clinical testing. Allele origin: germline.
Comment: The c.6675delT pathogenic mutation, located in coding exon 54 of the FBN1 gene, results from a deletion of one nucleotide at nucleotide position 6675, causing a translational frameshift with a predicted alternate stop codon (p.Y2225*). This alteration is expected to result in loss of function by premature protein truncation or nonsense-mediated mRNA decay. As such, this alteration is interpreted as a disease-causing mutation.